The following is an entry in ClinVar:

NM_001283009.2(RTEL1):c.1289G>T (p.Gly430Val)

Genes: RTEL1-TNFRSF6B (RTEL1-TNFRSF6B readthrough (NMD candidate); plus strand), RTEL1 (regulator of telomere elongation helicase 1; plus strand). Cytogenetic location: 20q13.33.
Variant type: single nucleotide variant.
Coding change: c.1289G>T on transcript NM_001283009.2 (MANE Select); coding-DNA position 1289, G replaced by T.
Protein change: p.Gly430Val; replaces glycine 430 with valine.
Molecular consequence: missense variant. On other transcripts: non-coding transcript variant (1).
Genome position (GRCh38, 1-based): chr20:63,685,813, G>T. VCF-style: chr20-63685813-G-T. GRCh37 (hg19) VCF-style: chr20-62317166-G-T.
Other names: c.620G>T, p.Gly207Val (NM_001283010.1); c.1289G>T, p.Gly430Val (NM_016434.4); c.1361G>T, p.Gly454Val (NM_032957.5); short protein forms G207V, G430V, G454V.
Identifiers: ClinVar variation 3757750 (VCV003757750.2).

ClinVar aggregate classification (germline): Uncertain significance (1 of 4 stars; one submission).

Conditions:
Dyskeratosis congenita, autosomal recessive 5 (DKCB5). Identifiers: MedGen C3554656, MONDO:0014076, OMIM 615190.
Pulmonary fibrosis and/or bone marrow failure, Telomere-related, 3. Also called: PULMONARY FIBROSIS AND/OR BONE MARROW FAILURE SYNDROME, TELOMERE-RELATED, 3. Identifiers: Orphanet 2032, MedGen C4225346, MONDO:0014613, OMIM 616373.

Submission:

Labcorp Genetics (formerly Invitae), Labcorp
Classification: Uncertain significance for Dyskeratosis congenita, autosomal recessive 5; Pulmonary fibrosis and/or bone marrow failure, Telomere-related, 3. Last evaluated: 2024-08-19. Review status: criteria provided, single submitter. Criteria: Invitae Variant Classification Sherloc (09022015). Collection method: clinical testing. Allele origin: germline.
Comment: This sequence change replaces glycine, which is neutral and non-polar, with valine, which is neutral and non-polar, at codon 430 of the RTEL1 protein (p.Gly430Val). This variant is not present in population databases (gnomAD no frequency). This variant has not been reported in the literature in individuals affected with RTEL1-related conditions. An algorithm developed to predict the effect of missense changes on protein structure and function (PolyPhen-2) suggests that this variant is likely to be tolerated. In summary, the available evidence is currently insufficient to determine the role of this variant in disease. Therefore, it has been classified as a Variant of Uncertain Significance.